The following is an entry in ClinVar:

NM_018896.5(CACNA1G):c.4593G>A (p.Met1531Ile)

Gene: CACNA1G (calcium voltage-gated channel subunit alpha1 G; plus strand). Cytogenetic location: 17q21.33.
Variant type: single nucleotide variant.
Coding change: c.4593G>A on transcript NM_018896.5 (MANE Select); coding-DNA position 4593, G replaced by A.
Protein change: p.Met1531Ile; replaces methionine 1531 with isoleucine.
Molecular consequence: missense variant. On other transcripts: non-coding transcript variant (5), splice acceptor variant (2), intron variant (5).
Genome position (GRCh38, 1-based): chr17:50,607,907, G>A. VCF-style: chr17-50607907-G-A. GRCh37 (hg19) VCF-style: chr17-48685268-G-A.
Other names: c.4593G>A, p.Met1531Ile (NM_001256333.2, NM_001256334.2, NM_198377.3 and 9 more transcripts); c.4518G>A, p.Met1506Ile (NM_001256360.2); c.4524G>A, p.Met1508Ile (NM_198376.3, NM_198379.3, NM_198382.3 and 4 more transcripts); c.4513-1G>A (NM_001256361.2, NM_001256359.2); c.4513-22G>A (NM_001256326.2, NM_001256330.2, NM_001256329.2 and 1 more transcripts); c.4444-22G>A (NM_001256332.2); short protein forms M1506I, M1508I, M1531I.
Identifiers: ClinVar variation 2575085 (VCV002575085.1), dbSNP rs2545574866, ClinGen allele CA400258883.

ClinVar aggregate classification (germline): Likely pathogenic (1 of 4 stars; one submission).

Conditions:
Spinocerebellar ataxia type 42. Identifiers: Orphanet 458803, MedGen C4225205, MONDO:0014776, OMIM 616795.

Submission:

HUSP Clinical Genetics Laboratory, Hospital Universitario San Pedro De Logroño (HUSP)
Classification: Likely pathogenic for Spinocerebellar ataxia type 42. Review status: criteria provided, single submitter. Criteria: ACMG Guidelines, 2015. Collection method: clinical testing. Allele origin: de novo. Inheritance: Autosomal dominant inheritance. Affected: yes. Observed: 1 variant allele.
Comment: The c.4593G>A variant in the 25 exon of the CACNA1G gene (NM_018896.5) results in a change of the predected protein (p.Met1531Ile). The variant has not been reported previously in the literature and it is not detected in general population. Pathogenic variants in the CACNA1G gene have been associated with the following phenotype: Spinocerebellar ataxia type 42 (OMIM: 616795) or Spinocerebellar ataxia type 42, early-onset, severe, with neurodevelopmental deficits (OMIM: 618087), both with autosomal dominant inheritance.